The following is an entry in ClinVar:

ClinVar aggregate classification (germline): Likely benign. Review status: criteria provided, multiple submitters, no conflicts (2 of 4 stars). 3 submissions from 3 submitters: Likely benign (2). 1 of the submissions does not count toward it. Last evaluated 2026-03-01.

Conditions:
TRIO-related disorder. Also called: TRIO-related condition; TRIO-related disorders.

Allele frequency attached by ClinVar (database versions not stated): ExAC 0.00009; gnomAD exomes 0.00011 and 0.00026; gnomAD 0.00015 and 0.00016; TOPMed 0.00016.
gnomAD v4.1: 399 of 1,613,768 alleles (0.025%); highest among the groups gnomAD compares: Non-Finnish European, 0.031%; no homozygotes.

Submissions (3):

CeGaT Center for Human Genetics Tuebingen
Classification: Likely benign. Last evaluated: 2026-03-01. Review status: criteria provided, single submitter. Criteria: CeGaT Center For Human Genetics Tuebingen Variant Classification Criteria Version 2. Collection method: clinical testing. Allele origin: germline. Affected: yes. Observed: 3 variant alleles.
Comment: TRIO: BP4, BS2

GeneDx
Classification: Likely benign. Last evaluated: 2020-05-29. Review status: criteria provided, single submitter. Criteria: GeneDx Variant Classification Process June 2021. Collection method: clinical testing. Allele origin: germline. Affected: yes.

PreventionGenetics, part of Exact Sciences
Classification: Likely benign for TRIO-related condition. Last evaluated: 2022-08-24. Review status: no assertion criteria provided. Collection method: clinical testing. Allele origin: germline. Not counted in ClinVar's aggregate classification.
Comment: This variant is classified as likely benign based on ACMG/AMP sequence variant interpretation guidelines (Richards et al. 2015 PMID: 25741868, with internal and published modifications).

NM_007118.4(TRIO):c.9157G>A (p.Gly3053Ser)

Gene: TRIO (trio Rho guanine nucleotide exchange factor; plus strand). Cytogenetic location: 5p15.2.
Variant type: single nucleotide variant.
Coding change: c.9157G>A on transcript NM_007118.4 (MANE Select); coding-DNA position 9157, G replaced by A.
Protein change: p.Gly3053Ser; replaces glycine 3053 with serine.
Molecular consequence: missense variant. On other transcripts: non-coding transcript variant (1).
Genome position (GRCh38, 1-based): chr5:14,508,285, G>A. VCF-style: chr5-14508285-G-A. GRCh37 (hg19) VCF-style: chr5-14508394-G-A.
Other names: c.9157G>A (NM_007118.3); short protein forms G3053S.
Identifiers: ClinVar variation 1013248 (VCV001013248.41), dbSNP rs774938828, ClinGen allele CA3208054.